The following is an entry in ClinVar:

ClinVar aggregate classification (germline): Uncertain significance (1 of 4 stars; one submission).

Conditions:
Gorlin syndrome. Also called: Nevoid Basal Cell Carcinoma Syndrome; Basal cell nevus syndrome. Identifiers: Orphanet 377, MedGen C0004779, MONDO:0007187.

Submission:

Labcorp Genetics (formerly Invitae), Labcorp
Classification: Uncertain significance for Gorlin syndrome. Last evaluated: 2024-09-11. Review status: criteria provided, single submitter. Criteria: Invitae Variant Classification Sherloc (09022015). Collection method: clinical testing. Allele origin: germline.
Comment: This sequence change affects codon 1010 of the PTCH1 mRNA. It is a 'silent' change, meaning that it does not change the encoded amino acid sequence of the PTCH1 protein. This variant is not present in population databases (gnomAD no frequency). This variant has not been reported in the literature in individuals affected with PTCH1-related conditions. Algorithms developed to predict the effect of sequence changes on RNA splicing suggest that this variant may create or strengthen a splice site. In summary, the available evidence is currently insufficient to determine the role of this variant in disease. Therefore, it has been classified as a Variant of Uncertain Significance.

NM_000264.5(PTCH1):c.3030C>T (p.Pro1010=)

Gene: PTCH1 (patched 1; minus strand). Cytogenetic location: 9q22.32.
Variant type: single nucleotide variant.
Coding change: c.3030C>T on transcript NM_000264.5 (MANE Select); coding-DNA position 3030, C replaced by T.
Protein change: p.Pro1010=; no amino-acid change (proline 1010 retained).
Molecular consequence: synonymous variant. On other transcripts: non-coding transcript variant (1).
Genome position (GRCh38, 1-based): chr9:95,458,151, G>A on the plus strand (C>T on the coding strand, the complement: PTCH1 is on the minus strand). VCF-style: chr9-95458151-G-A. GRCh37 (hg19) VCF-style: chr9-98220433-G-A.
Other names: c.2832C>T, p.Pro944= (NM_001083602.3); c.3027C>T, p.Pro1009= (NM_001083603.3); c.2577C>T, p.Pro859= (NM_001083604.3, NM_001083605.3, NM_001083606.3 and 1 more transcripts); c.2874C>T, p.Pro958= (NM_001354918.2).
Identifiers: ClinVar variation 3703461 (VCV003703461.2).